The following is an entry in ClinVar:

NM_022436.3(ABCG5):c.31G>A (p.Gly11Arg)

Gene: ABCG5 (ATP binding cassette subfamily G member 5; minus strand). Cytogenetic location: 2p21.
Variant type: single nucleotide variant.
Coding change: c.31G>A on transcript NM_022436.3 (MANE Select); coding-DNA position 31, G replaced by A.
Protein change: p.Gly11Arg; replaces glycine 11 with arginine.
Molecular consequence: missense variant.
Genome position (GRCh38, 1-based): chr2:43,838,649, C>T on the plus strand (G>A on the coding strand, the complement: ABCG5 is on the minus strand). VCF-style: chr2-43838649-C-T. GRCh37 (hg19) VCF-style: chr2-44065788-C-T.
Other names: short protein forms G11R.
Identifiers: ClinVar variation 5026905 (VCV005026905.1).
Genomic context (GRCh38, chr2:43,838,649, plus strand): 5'-TGGCAGGAGCCCCCTCCAGGGAGCTCTGGGAGCCTCTGTTTACTTGGAGACCCATGGACC[C>T]TCCGGGGGTCAAAGATGAGAGGTCACCCATGGCCAACAGGCAGCAAAGCTGGGCAAATTT-3'
Protein context (NP_071881.1, residues 1-21): MGDLSSLTPG[Gly11Arg]SMGLQVNRGS

ClinVar aggregate classification (germline): Uncertain significance (1 of 4 stars; one submission).

Conditions:
Cardiovascular phenotype. Identifiers: MedGen CN230736.

gnomAD v4.1: 6 of 1,613,692 alleles (0.00037%); highest among the groups gnomAD compares: South Asian, 0.0011%; no homozygotes.

Submission:

Ambry Genetics
Classification: Uncertain significance for Cardiovascular phenotype. Last evaluated: 2026-08-29. Review status: criteria provided, single submitter. Criteria: Ambry Variant Classification Scheme 2023. Collection method: clinical testing. Allele origin: germline.
Comment: The p.G11R variant (also known as c.31G>A), located in coding exon 1 of the ABCG5 gene, results from a G to A substitution at nucleotide position 31. The glycine at codon 11 is replaced by arginine, an amino acid with dissimilar properties. This amino acid position is conserved. In addition, this alteration is predicted to be tolerated by in silico analysis. Based on the available evidence, the clinical significance of this variant remains unclear.